The following is an entry in ClinVar:

NM_002074.5(GNB1):c.1010A>C (p.Lys337Thr)

Gene: GNB1 (G protein subunit beta 1; minus strand). Cytogenetic location: 1p36.33.
Variant type: single nucleotide variant.
Coding change: c.1010A>C on transcript NM_002074.5 (MANE Select); coding-DNA position 1010, A replaced by C.
Protein change: p.Lys337Thr; replaces lysine 337 with threonine.
Molecular consequence: missense variant.
Genome position (GRCh38, 1-based): chr1:1,787,344, T>G on the plus strand (A>C on the coding strand, the complement: GNB1 is on the minus strand). VCF-style: chr1-1787344-T-G. GRCh37 (hg19) VCF-style: chr1-1718783-T-G.
Other names: c.710A>C, p.Lys237Thr (NM_001282538.2); c.1010A>C, p.Lys337Thr (NM_001282539.2); short protein forms K237T, K337T.
Identifiers: ClinVar variation 4880205 (VCV004880205.1).

ClinVar aggregate classification (germline): Likely pathogenic (1 of 4 stars; one submission).

Conditions:
Intellectual developmental disorder, autosomal dominant 42. Also called: GNB1 Encephalopathy; Intellectual disability, autosomal dominant 42; Global developmental delay-neuro-ophthalmological abnormalities-seizures-intellectual disability syndrome. Identifiers: Orphanet 488613, MedGen C4310774, MONDO:0014855, OMIM 616973.

Submission:

Wales Gene Park, Division Of Cancer and Genetics, Cardiff University
Classification: Likely pathogenic for Intellectual developmental disorder, autosomal dominant 42. Last evaluated: 2026-04-28. Review status: criteria provided, single submitter. Criteria: ACGS Best Practice Guidelines for Variant Classification in Rare Disease 2024. Collection method: research. Allele origin: unknown. Inheritance: Autosomal dominant inheritance. Affected: yes. Study: 100,000 Genomes Project (Wales).
Comment: Heterozygous GNB1 missense variant detected by genome sequencing. Not in gnomAD (v4.1.1). Constrained gene (gnomAD missense Z score 5.34). REVEL score 0.762. Another missense change at same residue reported in ClinVar as pathogenic (p.Lys337Gln, Accession: VCV002733819.3). Variant located in a conserved WD40 domain with little nearby gnomAD variation. Evidence codes: PM2, PP2, PP3, PM1_supporting, PM5, PS4_supporting.

Literature cited by the submitters: PubMed 28087732; PubMed 36521323.